The following is an entry in ClinVar:

ClinVar aggregate classification (germline): Pathogenic (1 of 4 stars; one submission).

Submission:

Labcorp Genetics (formerly Invitae), Labcorp
Classification: Pathogenic. Last evaluated: 2022-02-11. Review status: criteria provided, single submitter. Criteria: Invitae Variant Classification Sherloc (09022015). Collection method: clinical testing. Allele origin: germline.
Comment: This variant has not been reported in the literature in individuals affected with KIF11-related conditions. This variant is not present in population databases (gnomAD no frequency). This sequence change creates a premature translational stop signal (p.Leu548Ilefs*3) in the KIF11 gene. It is expected to result in an absent or disrupted protein product. Loss-of-function variants in KIF11 are known to be pathogenic (PMID: 22284827, 24281367). For these reasons, this variant has been classified as Pathogenic.

Literature cited by the submitters: PubMed 22284827; PubMed 24281367.

NM_004523.4(KIF11):c.1641dup (p.Leu548fs)

Gene: KIF11 (kinesin family member 11; plus strand). Cytogenetic location: 10q23.33.
Variant type: Duplication.
Coding change: c.1641dup on transcript NM_004523.4 (MANE Select); coding-DNA position 1641, one base duplicated (A; older notation c.1641dupA).
Protein change: p.Leu548fs; shifts the reading frame from leucine 548.
Molecular consequence: frameshift variant.
Genome position (GRCh38, 1-based): chr10:92,632,632, A duplicated; the last of 2 consecutive A bases (chr10:92,632,631-92,632,632); duplicating either gives the same sequence. VCF-style (leftmost placement, unchanged base first): chr10-92632630-G-GA. GRCh37 (hg19) VCF-style: chr10-94392387-G-GA.
Other names: short protein forms L548fs.
Identifiers: ClinVar variation 2096917 (VCV002096917.4), dbSNP rs2492519317, ClinGen allele CA2580082313.
Genomic context (GRCh38, chr10:92,632,630, plus strand): 5'-AATGCAGAAGCTCAGGATATTTTTGGCAAAAACCTGAATAGTCTGTTTAATAATATGGAA[G>GA]AATTAATTAAGGATGGCAGCTCAAAGCAAAAGGCCATGCTAGAAGTACATAAGACCTTAT-3'